The following is an entry in ClinVar:

ClinVar aggregate classification (germline): Benign (1 of 4 stars; one submission).

Conditions:
Vesicoureteral reflux 2 (VUR2). Identifiers: Orphanet 289365, MedGen C1970483, MONDO:0012573, OMIM 610878.

Allele frequency attached by ClinVar (database versions not stated): gnomAD below 0.00001 and 0.00003; TOPMed below 0.00001; 1000 Genomes Project 30x 0.00031; 1000 Genomes Project 0.00040.
gnomAD v4.1: 5 of 152,638 alleles (0.0033%); highest among the groups gnomAD compares: South Asian, 0.1%; no homozygotes.

Submission:

Illumina Laboratory Services, Illumina
Classification: Benign for Vesicoureteral reflux 2. Last evaluated: 2018-01-13. Review status: criteria provided, single submitter. Criteria: ICSL Variant Classification Criteria 13 December 2019. Collection method: clinical testing. Allele origin: germline.
Comment: This variant was observed in the ICSL laboratory as part of a predisposition screen in an ostensibly healthy population. It had not been previously curated by ICSL or reported in the Human Gene Mutation Database (HGMD: prior to June 1st, 2018), and was therefore a candidate for classification through an automated scoring system. Utilizing variant allele frequency, disease prevalence and penetrance estimates, and inheritance mode, an automated score was calculated to assess if this variant is too frequent to cause the disease. Based on the score and internal cut-off values, a variant classified as benign is not then subjected to further curation. The score for this variant resulted in a classification of benign for this disease.

NM_001395656.1(ROBO2):c.*771T>C

Gene: ROBO2 (roundabout guidance receptor 2; plus strand). Cytogenetic location: 3p12.3.
Variant type: single nucleotide variant.
Coding change: c.*771T>C on transcript NM_001395656.1 (MANE Select); 771 bases downstream of the stop codon, T replaced by C.
Molecular consequence: 3 prime UTR variant.
Genome position (GRCh38, 1-based): chr3:77,646,826, T>C. VCF-style: chr3-77646826-T-C. GRCh37 (hg19) VCF-style: chr3-77695977-T-C.
Other names: c.*771T>C (NM_001128929.3, NM_001290039.2, NM_001290040.2 and 14 more transcripts); c.*768T>C (NM_001378194.1, NM_001378196.1, NM_001378199.1 and 3 more transcripts).
Identifiers: ClinVar variation 902609 (VCV000902609.5), dbSNP rs559352958, ClinGen allele CA77533613.